The following is an entry in ClinVar:

ClinVar aggregate classification (germline): Uncertain significance (1 of 4 stars; one submission).

Allele frequency attached by ClinVar (database versions not stated): TOPMed below 0.00001.

Submission:

Labcorp Genetics (formerly Invitae), Labcorp
Classification: Uncertain significance. Last evaluated: 2023-01-22. Review status: criteria provided, single submitter. Criteria: Invitae Variant Classification Sherloc (09022015). Collection method: clinical testing. Allele origin: germline.
Comment: In summary, the available evidence is currently insufficient to determine the role of this variant in disease. Therefore, it has been classified as a Variant of Uncertain Significance. Variants that disrupt the consensus splice site are a relatively common cause of aberrant splicing (PMID: 17576681, 9536098). Algorithms developed to predict the effect of sequence changes on RNA splicing suggest that this variant is not likely to affect RNA splicing. This variant has not been reported in the literature in individuals affected with DNAH9-related conditions. This variant is not present in population databases (gnomAD no frequency). This sequence change falls in intron 12 of the DNAH9 gene. It does not directly change the encoded amino acid sequence of the DNAH9 protein. It affects a nucleotide within the consensus splice site.

Literature cited by the submitters: PubMed 17576681; PubMed 9536098.

NM_001372.4(DNAH9):c.2097+6T>C

Gene: DNAH9 (dynein axonemal heavy chain 9; plus strand). Cytogenetic location: 17p12.
Variant type: single nucleotide variant.
Coding change: c.2097+6T>C on transcript NM_001372.4 (MANE Select); 6 bases into the intron after coding-DNA position 2097, T replaced by C.
Molecular consequence: intron variant.
Genome position (GRCh38, 1-based): chr17:11,647,204, T>C. VCF-style: chr17-11647204-T-C. GRCh37 (hg19) VCF-style: chr17-11550521-T-C.
Identifiers: ClinVar variation 2818988 (VCV002818988.3), dbSNP rs2073410870, ClinGen allele CA2247769099.